The following is an entry in ClinVar:

ClinVar aggregate classification (germline): Uncertain significance. Review status: criteria provided, multiple submitters, no conflicts (2 of 4 stars). 2 submissions from 2 submitters: Uncertain significance (2). Last evaluated 2025-02-03.

Conditions:
Inborn genetic diseases. Identifiers: MedGen C0950123, MeSH D030342.

Allele frequency attached by ClinVar (database versions not stated): gnomAD exomes below 0.00001.
gnomAD v4.1: 2 of 1,614,154 alleles (0.00012%); highest among the groups gnomAD compares: Non-Finnish European, 0.00017%; no homozygotes.

Submissions (2):

Ambry Genetics
Classification: Uncertain significance for Inborn genetic diseases. Last evaluated: 2025-02-03. Review status: criteria provided, single submitter. Criteria: Ambry Variant Classification Scheme 2023. Collection method: clinical testing. Allele origin: germline.
Comment: The p.T401I variant (also known as c.1202C>T), located in coding exon 12 of the ASXL1 gene, results from a C to T substitution at nucleotide position 1202. The threonine at codon 401 is replaced by isoleucine, an amino acid with similar properties. This amino acid position is conserved. In addition, this alteration is predicted to be tolerated by in silico analysis. Based on the available evidence, the clinical significance of this variant remains unclear.

Labcorp Genetics (formerly Invitae), Labcorp
Classification: Uncertain significance. Last evaluated: 2024-10-29. Review status: criteria provided, single submitter. Criteria: Invitae Variant Classification Sherloc (09022015). Collection method: clinical testing. Allele origin: germline.
Comment: This sequence change replaces threonine, which is neutral and polar, with isoleucine, which is neutral and non-polar, at codon 401 of the ASXL1 protein (p.Thr401Ile). This variant is not present in population databases (gnomAD no frequency). This variant has not been reported in the literature in individuals affected with ASXL1-related conditions. ClinVar contains an entry for this variant (Variation ID: 2335264). An algorithm developed to predict the effect of missense changes on protein structure and function (PolyPhen-2) suggests that this variant is likely to be tolerated. In summary, the available evidence is currently insufficient to determine the role of this variant in disease. Therefore, it has been classified as a Variant of Uncertain Significance.

NM_015338.6(ASXL1):c.1202C>T (p.Thr401Ile)

Gene: ASXL1 (ASXL transcriptional regulator 1; plus strand). Cytogenetic location: 20q11.21.
Variant type: single nucleotide variant.
Coding change: c.1202C>T on transcript NM_015338.6 (MANE Select); coding-DNA position 1202, C replaced by T.
Protein change: p.Thr401Ile; replaces threonine 401 with isoleucine.
Molecular consequence: missense variant.
Genome position (GRCh38, 1-based): chr20:32,433,400, C>T. VCF-style: chr20-32433400-C-T. GRCh37 (hg19) VCF-style: chr20-31021203-C-T.
Other names: c.1019C>T, p.Thr340Ile (NM_001363734.1); short protein forms T401I, T340I.
Identifiers: ClinVar variation 2335264 (VCV002335264.5), dbSNP rs2123255341, ClinGen allele CA408556078.
Genomic context (GRCh38, chr20:32,433,400, plus strand): 5'-AAATCAAAAGTGGCTTGTGTGTCCCAGGAGAATCAGTGCGTATACAGCGTGGTCCAGCCA[C>T]CCGACAGCGAGATGGGCATTTTAAGAAACGCTCTCGGCCAGATCTCCGAACCAGAGCCAG-3'
Protein context (NP_056153.2, residues 391-411): ESVRIQRGPA[Thr401Ile]RQRDGHFKKR